The following is an entry in ClinVar:

NM_004370.6(COL12A1):c.1A>T (p.Met1Leu)

Gene: COL12A1 (collagen type XII alpha 1 chain; minus strand). Cytogenetic location: 6q14.1.
Variant type: single nucleotide variant.
Coding change: c.1A>T on transcript NM_004370.6 (MANE Select); coding-DNA position 1, A replaced by T.
Protein change: p.Met1Leu; changes the start codon (methionine 1).
Molecular consequence: missense variant, initiator codon variant.
Genome position (GRCh38, 1-based): chr6:75,202,792, T>A on the plus strand (A>T on the coding strand, the complement: COL12A1 is on the minus strand). VCF-style: chr6-75202792-T-A. GRCh37 (hg19) VCF-style: chr6-75912508-T-A.
Other names: c.1A>T, p.Met1Leu (NM_001424113.1, NM_001424114.1, NM_001424115.1 and 2 more transcripts); short protein forms M1L.
Identifiers: ClinVar variation 3760191 (VCV003760191.2).
Genomic context (GRCh38, chr6:75,202,792, plus strand): 5'-TGGAAGACAGGAGCAGGGCCGCGCCCAGGGCGGCAAGCGCTGGGGGAAGCCTACTCCGCA[T>A]CCTTGGCCTCCGAGCTTACAGCGGCATGAAGAGATCTGCGGGAGGAAGTAGTGACTGCAT-3'
Protein context (NP_004361.3, residues 1-11): [Met1Leu]RSRLPPALAA

ClinVar aggregate classification (germline): Uncertain significance (1 of 4 stars; one submission).

Conditions:
Ullrich congenital muscular dystrophy 2 (UCMD2). Identifiers: Orphanet 75840, MedGen C4225314, MONDO:0014654, OMIM 616470.
Bethlem myopathy 2 (BTHLM2). Identifiers: Orphanet 536516, Orphanet 610, MedGen C4225313, MONDO:0034022, OMIM 616471.

Submission:

Labcorp Genetics (formerly Invitae), Labcorp
Classification: Uncertain significance for Bethlem myopathy 2; Ullrich congenital muscular dystrophy 2. Last evaluated: 2024-12-27. Review status: criteria provided, single submitter. Criteria: Invitae Variant Classification Sherloc (09022015). Collection method: clinical testing. Allele origin: germline.
Comment: This sequence change affects the initiator methionine of the COL12A1 mRNA. The next in-frame methionine is located at codon 43. This variant is not present in population databases (gnomAD no frequency). This variant has not been reported in the literature in individuals affected with COL12A1-related conditions. Experimental studies and prediction algorithms are not available or were not evaluated, and the functional significance of this variant is currently unknown. In summary, the available evidence is currently insufficient to determine the role of this variant in disease. Therefore, it has been classified as a Variant of Uncertain Significance.